The following is an entry in ClinVar:

NM_002439.5(MSH3):c.358G>A (p.Glu120Lys)

Gene: MSH3 (mutS homolog 3; plus strand). Cytogenetic location: 5q14.1.
Variant type: single nucleotide variant.
Coding change: c.358G>A on transcript NM_002439.5 (MANE Select); coding-DNA position 358, G replaced by A.
Protein change: p.Glu120Lys; replaces glutamic acid 120 with lysine.
Molecular consequence: missense variant.
Genome position (GRCh38, 1-based): chr5:80,656,531, G>A. VCF-style: chr5-80656531-G-A. GRCh37 (hg19) VCF-style: chr5-79952350-G-A.
Other names: short protein forms E120K.
Identifiers: ClinVar variation 663636 (VCV000663636.12), dbSNP rs1580540783, ClinGen allele CA360266627.

ClinVar aggregate classification (germline): Uncertain significance. Review status: criteria provided, multiple submitters, no conflicts (2 of 4 stars). 2 submissions from 2 submitters: Uncertain significance (2). Last evaluated 2025-08-25.

Conditions:
Hereditary cancer-predisposing syndrome. Also called: Neoplastic Syndromes, Hereditary; Tumor predisposition; Hereditary neoplastic syndrome; Hereditary Cancer Syndrome. Identifiers: Orphanet 140162, MedGen C0027672, MeSH D009386, MONDO:0015356.

Allele frequency attached by ClinVar (database versions not stated): gnomAD exomes below 0.00001.
gnomAD v4.1: 1 of 1,614,094 alleles (0.000062%); highest among the groups gnomAD compares: Non-Finnish European, 0.000085%; no homozygotes.

Submissions (2):

Ambry Genetics
Classification: Uncertain significance for Hereditary cancer-predisposing syndrome. Last evaluated: 2025-08-25. Review status: criteria provided, single submitter. Criteria: Ambry Variant Classification Scheme 2023. Collection method: clinical testing. Allele origin: germline.
Comment: The p.E120K variant (also known as c.358G>A), located in coding exon 2 of the MSH3 gene, results from a G to A substitution at nucleotide position 358. The amino acid change results in glutamic acid to lysine at codon 120, an amino acid with similar properties. However, this change occurs in the last base pair of coding exon 2, which makes it likely to have some effect on normal mRNA splicing. This amino acid position is highly conserved in available vertebrate species. In addition, the in silico prediction for this alteration is inconclusive. Since supporting evidence is limited at this time, the clinical significance of this alteration remains unclear.

Labcorp Genetics (formerly Invitae), Labcorp
Classification: Uncertain significance. Last evaluated: 2025-04-08. Review status: criteria provided, single submitter. Criteria: Invitae Variant Classification Sherloc (09022015). Collection method: clinical testing. Allele origin: germline.
Comment: This sequence change replaces glutamic acid, which is acidic and polar, with lysine, which is basic and polar, at codon 120 of the MSH3 protein (p.Glu120Lys). This variant also falls at the last nucleotide of exon 2, which is part of the consensus splice site for this exon. This variant is not present in population databases (gnomAD no frequency). This variant has not been reported in the literature in individuals affected with MSH3-related conditions. ClinVar contains an entry for this variant (Variation ID: 663636). An algorithm developed to predict the effect of missense changes on protein structure and function (PolyPhen-2) suggests that this variant is likely to be tolerated. Variants that disrupt the consensus splice site are a relatively common cause of aberrant splicing (PMID: 17576681, 9536098). Studies have shown that this missense change is associated with inconclusive levels of altered splicing (internal data). In summary, the available evidence is currently insufficient to determine the role of this variant in disease. Therefore, it has been classified as a Variant of Uncertain Significance.

Literature cited by the submitters: PubMed 17576681 (cited by Labcorp Genetics (formerly Invitae), Labcorp); PubMed 9536098 (cited by Labcorp Genetics (formerly Invitae), Labcorp).